The following is an entry in ClinVar:

NM_006231.4(POLE):c.2694C>G (p.Asn898Lys)

Gene: POLE (DNA polymerase epsilon, catalytic subunit; minus strand). Cytogenetic location: 12q24.33.
Variant type: single nucleotide variant.
Coding change: c.2694C>G on transcript NM_006231.4 (MANE Select); coding-DNA position 2694, C replaced by G.
Protein change: p.Asn898Lys; replaces asparagine 898 with lysine.
Molecular consequence: missense variant.
Genome position (GRCh38, 1-based): chr12:132,664,016, G>C on the plus strand (C>G on the coding strand, the complement: POLE is on the minus strand). VCF-style: chr12-132664016-G-C. GRCh37 (hg19) VCF-style: chr12-133240602-G-C.
Other names: short protein forms N898K.
Identifiers: ClinVar variation 2447937 (VCV002447937.5), dbSNP rs1060504058, ClinGen allele CA387395000.

ClinVar aggregate classification (germline): Uncertain significance. Review status: criteria provided, multiple submitters, no conflicts (2 of 4 stars). 2 submissions from 2 submitters: Uncertain significance (2). Last evaluated 2023-01-19.

Conditions:
Hereditary cancer-predisposing syndrome. Also called: Neoplastic Syndromes, Hereditary; Hereditary Cancer Syndrome; Tumor predisposition; Hereditary neoplastic syndrome. Identifiers: Orphanet 140162, MedGen C0027672, MeSH D009386, MONDO:0015356.

gnomAD v4.1: 1 of 1,614,138 alleles (0.000062%); highest among the groups gnomAD compares: Non-Finnish European, 0.000085%; no homozygotes.

Submissions (2):

Ambry Genetics
Classification: Uncertain significance for Hereditary cancer-predisposing syndrome. Last evaluated: 2023-01-19. Review status: criteria provided, single submitter. Criteria: Ambry Variant Classification Scheme 2023. Collection method: clinical testing. Allele origin: germline.
Comment: The p.N898K variant (also known as c.2694C>G), located in coding exon 23 of the POLE gene, results from a C to G substitution at nucleotide position 2694. The asparagine at codon 898 is replaced by lysine, an amino acid with similar properties. This amino acid position is conserved. In addition, this alteration is predicted to be tolerated by in silico analysis. Since supporting evidence is limited at this time, the clinical significance of this alteration remains unclear.

Labcorp Genetics (formerly Invitae), Labcorp
Classification: Uncertain significance. Last evaluated: 2023-01-08. Review status: criteria provided, single submitter. Criteria: Invitae Variant Classification Sherloc (09022015). Collection method: clinical testing. Allele origin: germline.
Comment: This sequence change replaces asparagine, which is neutral and polar, with lysine, which is basic and polar, at codon 898 of the POLE protein (p.Asn898Lys). In summary, the available evidence is currently insufficient to determine the role of this variant in disease. Therefore, it has been classified as a Variant of Uncertain Significance. Advanced modeling of protein sequence and biophysical properties (such as structural, functional, and spatial information, amino acid conservation, physicochemical variation, residue mobility, and thermodynamic stability) performed at Invitae indicates that this missense variant is expected to disrupt POLE protein function. This variant has not been reported in the literature in individuals affected with POLE-related conditions. This variant is not present in population databases (gnomAD no frequency).